The following is an entry in ClinVar:

ClinVar aggregate classification (germline): Uncertain significance (1 of 4 stars; one submission).

Conditions:
PLXNA2-related disorder. Also called: PLXNA2-related condition.

Submission:

PreventionGenetics, part of Exact Sciences
Classification: Uncertain significance for PLXNA2-related condition. Last evaluated: 2025-10-01. Review status: criteria provided, single submitter. Criteria: ACMG Guidelines, 2015. Collection method: clinical testing. Allele origin: germline.
Comment: The PLXNA2 c.1741G>A variant is predicted to result in the amino acid substitution p.Val581Ile. To our knowledge, this variant has not been reported in the literature or in a large population database (gnomAD), indicating this variant is rare. At this time, the clinical significance of this variant is uncertain due to the absence of conclusive functional and genetic evidence.

NM_025179.4(PLXNA2):c.1741G>A (p.Val581Ile)

Gene: PLXNA2 (plexin A2; minus strand). Cytogenetic location: 1q32.2.
Variant type: single nucleotide variant.
Coding change: c.1741G>A on transcript NM_025179.4 (MANE Select); coding-DNA position 1741, G replaced by A.
Protein change: p.Val581Ile; replaces valine 581 with isoleucine.
Molecular consequence: missense variant.
Genome position (GRCh38, 1-based): chr1:208,096,874, C>T on the plus strand (G>A on the coding strand, the complement: PLXNA2 is on the minus strand). VCF-style: chr1-208096874-C-T. GRCh37 (hg19) VCF-style: chr1-208270219-C-T.
Other names: short protein forms V581I.
Identifiers: ClinVar variation 4987099 (VCV004987099.1).